The following is an entry in ClinVar:

ClinVar aggregate classification (germline): Pathogenic (1 of 4 stars; one submission).

Conditions:
Charlevoix-Saguenay spastic ataxia (SACS). Also called: AUTOSOMAL RECESSIVE SPASTIC ATAXIA OF CHARLEVOIX-SAGUENAY; Spastic ataxia of Charlevoix-Saguenay; SPASTIC ATAXIA 6, AUTOSOMAL RECESSIVE. Identifiers: Orphanet 98, MedGen C1849140, MONDO:0010041, OMIM 270550.

Submission:

Women's Health and Genetics/Laboratory Corporation of America, LabCorp
Classification: Pathogenic for Charlevoix-Saguenay spastic ataxia. Last evaluated: 2024-09-09. Review status: criteria provided, single submitter. Criteria: LabCorp Variant Classification Summary - May 2015. Collection method: clinical testing. Allele origin: germline.
Comment: Variant summary: SACS c.4645G>T (p.Glu1549X) results in a premature termination codon, predicted to cause a truncation of the encoded protein or absence of the protein due to nonsense mediated decay, which are commonly known mechanisms for disease. Variants downstream of this position have been classified as pathogenic by our laboratory and in ClinVar. The variant was absent in 245646 control chromosomes. To our knowledge, no occurrence of c.4645G>T in individuals affected with Autosomal Recessive Spastic Ataxia Of Charlevoix-Saguenay and no experimental evidence demonstrating its impact on protein function have been reported. No submitters have cited clinical-significance assessments for this variant to ClinVar. Based on the evidence outlined above, the variant was classified as pathogenic.

NM_014363.6(SACS):c.4645G>T (p.Glu1549Ter)

Gene: SACS (sacsin molecular chaperone; minus strand). Cytogenetic location: 13q12.12.
Variant type: single nucleotide variant.
Coding change: c.4645G>T on transcript NM_014363.6 (MANE Select); coding-DNA position 4645, G replaced by T.
Protein change: p.Glu1549Ter; replaces glutamic acid 1549 with a stop codon.
Molecular consequence: nonsense.
Genome position (GRCh38, 1-based): chr13:23,339,231, C>A on the plus strand (G>T on the coding strand, the complement: SACS is on the minus strand). VCF-style: chr13-23339231-C-A. GRCh37 (hg19) VCF-style: chr13-23913370-C-A.
Other names: c.4204G>T, p.Glu1402Ter (NM_001278055.2); short protein forms E1402*, E1549*.
Identifiers: ClinVar variation 3374994 (VCV003374994.1).
Genomic context (GRCh38, chr13:23,339,231, plus strand): 5'-TGTCAGTGATATGGTACACAGAATTAAATCCAAGACCAAATTTTCCAACTTTGTCAACTT[C>A]TCCCCTTTTTAAAGATTCTCCTAACCTAGTTATGTTCACAAAATCTGAATCTGAGAATTG-3'